The following is an entry in ClinVar:

ClinVar aggregate classification (germline): Uncertain significance (1 of 4 stars; one submission).

Conditions:
SF1-associated neurodevelopmental disorder.

Submission:

Institute of Human Genetics, University of Leipzig Medical Center
Classification: Uncertain significance for SF1-associated neurodevelopmental disorder. Last evaluated: 2026-02-12. Review status: criteria provided, single submitter. Criteria: ACMG Guidelines, 2015. Collection method: clinical testing. Allele origin: unknown. Inheritance: Autosomal dominant inheritance. Affected: yes.
Comment: Criteria applied: PM2,PM4

Literature cited by the submitters: PubMed 40987292.

NM_004630.4(SF1):c.1038_1046dup (p.Ala350_Asn351insAlaProAla)

Gene: SF1 (splicing factor 1; minus strand). Cytogenetic location: 11q13.1.
Variant type: Duplication.
Coding change: c.1038_1046dup on transcript NM_004630.4 (MANE Select); coding-DNA positions 1038 to 1046, 9 bases duplicated (TGCTGCTCC; older notation c.1038_1046dupTGCTGCTCC).
Protein change: p.Ala350_Asn351insAlaProAla.
Molecular consequence: inframe insertion.
Genome position (GRCh38, 1-based): chr11:64,768,128-64,768,136, GGAGCAGCA duplicated on the plus strand (TGCTGCTCC on the coding strand, the reverse complement: SF1 is on the minus strand); duplicating any 9 consecutive bases within chr11:64,768,128-64,768,139 gives the same sequence; the c. name uses the placement nearest the transcript's 3' end. VCF-style (leftmost placement, unchanged base first): chr11-64768127-G-GGGAGCAGCA. GRCh37 (hg19) VCF-style: chr11-64535599-G-GGGAGCAGCA.
Other names: c.1413_1421dup, p.Ala475_Asn476insAlaProAla (NM_001178030.2, NM_001378956.1, NM_001378957.1 and 2 more transcripts); c.960_968dup, p.Ala324_Asn325insAlaProAla (NM_001178031.3, NM_001440584.1, NM_001440585.1); c.1038_1046dup, p.Ala350_Asn351insAlaProAla (NM_001346363.2, NM_001346364.2, NM_001440582.1 and 4 more transcripts); c.693_701dup, p.Ala235_Asn236insAlaProAla (NM_001346409.2, NM_001346410.2).
Identifiers: ClinVar variation 4819130 (VCV004819130.1).